The following is an entry in ClinVar:

ClinVar aggregate classification (germline): Conflicting classifications of pathogenicity. Review status: criteria provided, conflicting classifications (1 of 4 stars). 2 submissions from 2 submitters: Uncertain significance (1); Likely benign (1). Last evaluated 2025-10-01.

Conditions:
Ehlers-Danlos syndrome, classic type, 1 (EDSCL1). Also called: Ehlers-Danlos syndrome, type 1; EHLERS-DANLOS SYNDROME, GRAVIS TYPE; EHLERS-DANLOS SYNDROME, SEVERE CLASSIC TYPE; EDS I; Ehlers-Danlos Syndrome, Classic Type, COL5A1-Related. Identifiers: MedGen C0268335, MONDO:0019567, OMIM 130000.
Ehlers-Danlos syndrome, classic type, 2 (EDSCL2). Also called: Ehlers-Danlos syndrome, type 2; Ehlers-Danlos syndrome type 2 (formerly); Ehlers-Danlos Syndrome, Classic Type, COL5A2-Related. Identifiers: Orphanet 287, Orphanet 90318, MedGen C0268336, MONDO:0019568, OMIM 130010.

Submissions (2):

Labcorp Genetics (formerly Invitae), Labcorp
Classification: Likely benign for Ehlers-Danlos syndrome, classic type, 1. Last evaluated: 2025-10-01. Review status: criteria provided, single submitter. Criteria: Invitae Variant Classification Sherloc (09022015). Collection method: clinical testing. Allele origin: germline.

Centre for Mendelian Genomics, University Medical Centre Ljubljana
Classification: Uncertain significance for Ehlers-Danlos syndrome, classic type, 2. Last evaluated: 2019-02-18. Review status: criteria provided, single submitter. Criteria: ACMG Guidelines, 2015. Collection method: clinical testing. Allele origin: unknown. Affected: yes.
Comment: This variant was classified as: Uncertain significance. The available evidence on this variant's pathogenicity is insufficient or conflicting. The following ACMG criteria were applied in classifying this variant: PM2,BP4.

NM_000093.5(COL5A1):c.1495-7T>A

Gene: COL5A1 (collagen type V alpha 1 chain; plus strand). Cytogenetic location: 9q34.3.
Variant type: single nucleotide variant.
Coding change: c.1495-7T>A on transcript NM_000093.5 (MANE Select); 7 bases into the intron before coding-DNA position 1495, T replaced by A.
Molecular consequence: intron variant.
Genome position (GRCh38, 1-based): chr9:134,750,535, T>A. VCF-style: chr9-134750535-T-A. GRCh37 (hg19) VCF-style: chr9-137642381-T-A.
Other names: c.1495-7T>A (NM_001278074.1).
Identifiers: ClinVar variation 931041 (VCV000931041.8), dbSNP rs1835738568, ClinGen allele CA1139661337.